The following is an entry in ClinVar:

NM_001080414.4(CCDC88C):c.2089C>T (p.Arg697Cys)

Gene: CCDC88C (coiled-coil and HOOK domain protein 88C; minus strand). Cytogenetic location: 14q32.11.
Variant type: single nucleotide variant.
Coding change: c.2089C>T on transcript NM_001080414.4 (MANE Select); coding-DNA position 2089, C replaced by T.
Protein change: p.Arg697Cys; replaces arginine 697 with cysteine.
Molecular consequence: missense variant.
Genome position (GRCh38, 1-based): chr14:91,313,727, G>A on the plus strand (C>T on the coding strand, the complement: CCDC88C is on the minus strand). VCF-style: chr14-91313727-G-A. GRCh37 (hg19) VCF-style: chr14-91780071-G-A.
Other names: c.2089C>T (NM_001080414.3); short protein forms R697C.
Identifiers: ClinVar variation 2169000 (VCV002169000.2), dbSNP rs763668804, ClinGen allele CA7309749.

ClinVar aggregate classification (germline): Uncertain significance. Review status: criteria provided, multiple submitters, no conflicts (2 of 4 stars). 2 submissions from 2 submitters: Uncertain significance (2). Last evaluated 2025-08-20.

Conditions:
Inborn genetic diseases. Identifiers: MedGen C0950123, MeSH D030342.

Allele frequency attached by ClinVar (database versions not stated): gnomAD 0.00002; TOPMed 0.00003; ExAC 0.00010.

Submissions (2):

Ambry Genetics
Classification: Uncertain significance for Inborn genetic diseases. Last evaluated: 2025-08-20. Review status: criteria provided, single submitter. Criteria: Ambry Variant Classification Scheme 2023. Collection method: clinical testing. Allele origin: germline.

Labcorp Genetics (formerly Invitae), Labcorp
Classification: Uncertain significance. Last evaluated: 2022-09-13. Review status: criteria provided, single submitter. Criteria: Invitae Variant Classification Sherloc (09022015). Collection method: clinical testing. Allele origin: germline.
Comment: This sequence change replaces arginine, which is basic and polar, with cysteine, which is neutral and slightly polar, at codon 697 of the CCDC88C protein (p.Arg697Cys). This variant is present in population databases (rs763668804, gnomAD 0.03%). This variant has not been reported in the literature in individuals affected with CCDC88C-related conditions. Algorithms developed to predict the effect of missense changes on protein structure and function are either unavailable or do not agree on the potential impact of this missense change (SIFT: "Deleterious"; PolyPhen-2: "Possibly Damaging"; Align-GVGD: "Class C0"). In summary, the available evidence is currently insufficient to determine the role of this variant in disease. Therefore, it has been classified as a Variant of Uncertain Significance.